The following is an entry in ClinVar:

NM_194293.4(XIRP1):c.566A>G (p.Gln189Arg)

Gene: XIRP1 (xin actin binding repeat containing 1; minus strand). Cytogenetic location: 3p22.2.
Variant type: single nucleotide variant.
Coding change: c.566A>G on transcript NM_194293.4 (MANE Select); coding-DNA position 566, A replaced by G.
Protein change: p.Gln189Arg; replaces glutamine 189 with arginine.
Molecular consequence: missense variant. On other transcripts: intron variant (1).
Genome position (GRCh38, 1-based): chr3:39,188,880, T>C on the plus strand (A>G on the coding strand, the complement: XIRP1 is on the minus strand). VCF-style: chr3-39188880-T-C. GRCh37 (hg19) VCF-style: chr3-39230371-T-C.
Other names: c.566A>G, p.Gln189Arg (NM_001198621.4); c.-167-3219A>G (NM_001351377.2); short protein forms Q189R.
Identifiers: ClinVar variation 3041616 (VCV003041616.2), dbSNP rs371227416, ClinGen allele CA2326712.
Genomic context (GRCh38, chr3:39,188,880, plus strand): 5'-AGGGAGGGGCGGGAGCCCAGGCGGTCCAGCGGCCGCGTCTCAAAGAGCATCCTGGTACCC[T>C]GCACATCTCCGCTGGCTGCAGGCTCCCTCACAGTGGCCTCCAGTTCCTTGGCTTGCCCTG-3'
Protein context (NP_919269.2, residues 179-199): VREPAASGDV[Gln189Arg]GTRMLFETRP

ClinVar aggregate classification (germline): Benign (0 of 4 stars; one submission).

Conditions:
XIRP1-related disorder. Also called: XIRP1-related condition.

Allele frequency attached by ClinVar (database versions not stated): TOPMed 0.00004; gnomAD 0.00026; gnomAD exomes 0.00054; ExAC 0.00124; 1000 Genomes Project 30x 0.00156; 1000 Genomes Project 0.00200.
gnomAD v4.1: 808 of 1,612,984 alleles (0.05%); highest among the groups gnomAD compares: South Asian, 0.87%; 11 homozygotes.

Submission:

PreventionGenetics, part of Exact Sciences
Classification: Benign for XIRP1-related condition. Last evaluated: 2019-05-08. Review status: no assertion criteria provided. Collection method: clinical testing. Allele origin: germline.
Comment: This variant is classified as benign based on ACMG/AMP sequence variant interpretation guidelines (Richards et al. 2015 PMID: 25741868, with internal and published modifications).